The following is an entry in ClinVar:

NM_000283.4(PDE6B):c.469-6C>A

Gene: PDE6B (phosphodiesterase 6B; plus strand). Cytogenetic location: 4p16.3.
Variant type: single nucleotide variant.
Coding change: c.469-6C>A on transcript NM_000283.4 (MANE Select); 6 bases into the intron before coding-DNA position 469, C replaced by A.
Molecular consequence: intron variant.
Genome position (GRCh38, 1-based): chr4:634,671, C>A. VCF-style: chr4-634671-C-A. GRCh37 (hg19) VCF-style: chr4-628460-C-A.
Other names: c.469-6C>A (NM_001145291.2).
Identifiers: ClinVar variation 2101772 (VCV002101772.4), dbSNP rs555822869, ClinGen allele CA2793972.
Genomic context (GRCh38, chr4:634,671, plus strand): 5'-CCAGTGGTGCGGGCTCCAGGCCCACGGTGCGACAGCCTCTTTAGCCTCTTTCCTCTCTTG[C>A]GGCAGTGCCCTCACTTCAGCTCATTTGCTGACGAGCTCACTGACTACAAGACAAAGAATA-3'

ClinVar aggregate classification (germline): Uncertain significance (1 of 4 stars; one submission).

gnomAD v4.1: 10 of 1,610,322 alleles (0.00062%); highest among the groups gnomAD compares: Admixed American, 0.0017%; no homozygotes.

Submission:

Labcorp Genetics (formerly Invitae), Labcorp
Classification: Uncertain significance. Last evaluated: 2022-05-18. Review status: criteria provided, single submitter. Criteria: Invitae Variant Classification Sherloc (09022015). Collection method: clinical testing. Allele origin: germline.
Comment: This variant has not been reported in the literature in individuals affected with PDE6B-related conditions. This variant is present in population databases (rs555822869, gnomAD 0.002%). This sequence change falls in intron 1 of the PDE6B gene. It does not directly change the encoded amino acid sequence of the PDE6B protein. Algorithms developed to predict the effect of sequence changes on RNA splicing suggest that this variant may create or strengthen a splice site. In summary, the available evidence is currently insufficient to determine the role of this variant in disease. Therefore, it has been classified as a Variant of Uncertain Significance.